The following is an entry in ClinVar:

ClinVar aggregate classification (germline): Uncertain significance. Review status: criteria provided, multiple submitters, no conflicts (2 of 4 stars). 2 submissions from 2 submitters: Uncertain significance (2). Last evaluated 2025-09-05.

Conditions:
Inborn genetic diseases. Identifiers: MedGen C0950123, MeSH D030342.
Peroxisome biogenesis disorder 11A (Zellweger). Also called: Peroxisome biogenesis disorder 11A. Identifiers: Orphanet 912, MedGen C3554000, MONDO:0013949, OMIM 614883.

Allele frequency attached by ClinVar (database versions not stated): gnomAD 0.00001; TOPMed 0.00002.
gnomAD v4.1: 3 of 1,613,954 alleles (0.00019%); highest among the groups gnomAD compares: African/African-American, 0.004%; no homozygotes.

Submissions (2):

Ambry Genetics
Classification: Uncertain significance for Inborn genetic diseases. Last evaluated: 2025-09-05. Review status: criteria provided, single submitter. Criteria: Ambry Variant Classification Scheme 2023. Collection method: clinical testing. Allele origin: germline.

Labcorp Genetics (formerly Invitae), Labcorp
Classification: Uncertain significance for Peroxisome biogenesis disorder 11A (Zellweger). Last evaluated: 2022-05-19. Review status: criteria provided, single submitter. Criteria: Invitae Variant Classification Sherloc (09022015). Collection method: clinical testing. Allele origin: germline.
Comment: This sequence change replaces glycine, which is neutral and non-polar, with alanine, which is neutral and non-polar, at codon 216 of the PEX13 protein (p.Gly216Ala). This variant is present in population databases (no rsID available, gnomAD 0.01%). This variant has not been reported in the literature in individuals affected with PEX13-related conditions. Algorithms developed to predict the effect of missense changes on protein structure and function (SIFT, PolyPhen-2, Align-GVGD) all suggest that this variant is likely to be tolerated. In summary, the available evidence is currently insufficient to determine the role of this variant in disease. Therefore, it has been classified as a Variant of Uncertain Significance.

NM_002618.4(PEX13):c.647G>C (p.Gly216Ala)

Gene: PEX13 (peroxisomal biogenesis factor 13; plus strand). Cytogenetic location: 2p15.
Variant type: single nucleotide variant.
Coding change: c.647G>C on transcript NM_002618.4 (MANE Select); coding-DNA position 647, G replaced by C.
Protein change: p.Gly216Ala; replaces glycine 216 with alanine.
Molecular consequence: missense variant.
Genome position (GRCh38, 1-based): chr2:61,031,973, G>C. VCF-style: chr2-61031973-G-C. GRCh37 (hg19) VCF-style: chr2-61259108-G-C.
Other names: c.647G>C (NM_002618.3); short protein forms G216A.
Identifiers: ClinVar variation 2421861 (VCV002421861.4), dbSNP rs1461746467, ClinGen allele CA346944220.